The following is an entry in ClinVar:

ClinVar aggregate classification (germline): Uncertain significance. Review status: criteria provided, single submitter (1 of 4 stars). 2 submissions from 2 submitters: Uncertain significance (1). 1 of the submissions does not count toward it. Last evaluated 2025-10-13.

Conditions:
ARHGAP31-related disorder. Also called: ARHGAP31-related condition.

Allele frequency attached by ClinVar (database versions not stated): gnomAD exomes 0.00001.
gnomAD v4.1: 12 of 1,614,236 alleles (0.00074%); highest among the groups gnomAD compares: Non-Finnish European, 0.001%; no homozygotes.

Submissions (2):

Labcorp Genetics (formerly Invitae), Labcorp
Classification: Uncertain significance. Last evaluated: 2025-10-13. Review status: criteria provided, single submitter. Criteria: Invitae Variant Classification Sherloc (09022015). Collection method: clinical testing. Allele origin: germline.
Comment: This sequence change replaces serine, which is neutral and polar, with glycine, which is neutral and non-polar, at codon 462 of the ARHGAP31 protein (p.Ser462Gly). This variant is present in population databases (no rsID available, gnomAD 0.002%). This variant has not been reported in the literature in individuals affected with ARHGAP31-related conditions. ClinVar contains an entry for this variant (Variation ID: 2176399). An algorithm developed to predict the effect of missense changes on protein structure and function outputs the following: PolyPhen-2: "Benign". The glycine amino acid residue is found in multiple mammalian species, which suggests that this missense change does not adversely affect protein function. In summary, the available evidence is currently insufficient to determine the role of this variant in disease. Therefore, it has been classified as a Variant of Uncertain Significance.

PreventionGenetics, part of Exact Sciences
Classification: Uncertain significance for ARHGAP31-related condition. Last evaluated: 2023-10-19. Review status: no assertion criteria provided. Collection method: clinical testing. Allele origin: germline. Not counted in ClinVar's aggregate classification.
Comment: The ARHGAP31 c.1384A>G variant is predicted to result in the amino acid substitution p.Ser462Gly. To our knowledge, this variant has not been reported in the literature. This variant is reported in 0.0018% of alleles in individuals of European (Non-Finnish) descent in gnomAD. At this time, the clinical significance of this variant is uncertain due to the absence of conclusive functional and genetic evidence.

NM_020754.4(ARHGAP31):c.1384A>G (p.Ser462Gly)

Gene: ARHGAP31 (Rho GTPase activating protein 31; plus strand). Cytogenetic location: 3q13.33.
Variant type: single nucleotide variant.
Coding change: c.1384A>G on transcript NM_020754.4 (MANE Select); coding-DNA position 1384, A replaced by G.
Protein change: p.Ser462Gly; replaces serine 462 with glycine.
Molecular consequence: missense variant.
Genome position (GRCh38, 1-based): chr3:119,402,136, A>G. VCF-style: chr3-119402136-A-G. GRCh37 (hg19) VCF-style: chr3-119120983-A-G.
Other names: c.1384A>G (NM_020754.3); short protein forms S462G.
Identifiers: ClinVar variation 2176399 (VCV002176399.6), dbSNP rs1454696135, ClinGen allele CA354039062.